The following is an entry in ClinVar:

ClinVar aggregate classification (germline): Uncertain significance. Review status: criteria provided, multiple submitters, no conflicts (2 of 4 stars). 2 submissions from 2 submitters: Uncertain significance (2). Last evaluated 2025-08-01.

Conditions:
Inborn genetic diseases. Identifiers: MedGen C0950123, MeSH D030342.
KBG syndrome (KBGS). Also called: ANKRD11-Related KBG Syndrome. Identifiers: Orphanet 2332, MedGen C0220687, MONDO:0007846, OMIM 148050.

gnomAD v4.1: 22 of 1,443,710 alleles (0.0015%); highest among the groups gnomAD compares: South Asian, 0.025%; no homozygotes.

Submissions (2):

Ambry Genetics
Classification: Uncertain significance for Inborn genetic diseases. Last evaluated: 2025-08-01. Review status: criteria provided, single submitter. Criteria: Ambry Variant Classification Scheme 2023. Collection method: clinical testing. Allele origin: germline.

Labcorp Genetics (formerly Invitae), Labcorp
Classification: Uncertain significance for KBG syndrome. Last evaluated: 2024-10-22. Review status: criteria provided, single submitter. Criteria: Invitae Variant Classification Sherloc (09022015). Collection method: clinical testing. Allele origin: germline.
Comment: This sequence change replaces alanine, which is neutral and non-polar, with threonine, which is neutral and polar, at codon 2296 of the ANKRD11 protein (p.Ala2296Thr). This variant is present in population databases (no rsID available, gnomAD 0.02%). This variant has not been reported in the literature in individuals affected with ANKRD11-related conditions. Invitae Evidence Modeling of protein sequence and biophysical properties (such as structural, functional, and spatial information, amino acid conservation, physicochemical variation, residue mobility, and thermodynamic stability) indicates that this missense variant is not expected to disrupt ANKRD11 protein function with a negative predictive value of 95%. In summary, the available evidence is currently insufficient to determine the role of this variant in disease. Therefore, it has been classified as a Variant of Uncertain Significance.

NM_013275.6(ANKRD11):c.6886G>A (p.Ala2296Thr)

Gene: ANKRD11 (ankyrin repeat domain 11; minus strand). Cytogenetic location: 16q24.3.
Variant type: single nucleotide variant.
Coding change: c.6886G>A on transcript NM_013275.6 (MANE Select); coding-DNA position 6886, G replaced by A.
Protein change: p.Ala2296Thr; replaces alanine 2296 with threonine.
Molecular consequence: missense variant.
Genome position (GRCh38, 1-based): chr16:89,279,656, C>T on the plus strand (G>A on the coding strand, the complement: ANKRD11 is on the minus strand). VCF-style: chr16-89279656-C-T. GRCh37 (hg19) VCF-style: chr16-89346064-C-T.
Other names: c.6886G>A (NM_013275.4); c.6886G>A, p.Ala2296Thr (NM_001256182.2, NM_001256183.2); short protein forms A2296T.
Identifiers: ClinVar variation 3711014 (VCV003711014.3).